The following is an entry in ClinVar:

ClinVar aggregate classification (germline): Pathogenic. Review status: criteria provided, multiple submitters, no conflicts (2 of 4 stars). 2 submissions from 2 submitters: Pathogenic (2). Last evaluated 2023-07-08.

Conditions:
Glycogen storage disease type III (GSD3). Also called: Cori disease; FORBES DISEASE. Identifiers: Orphanet 366, MedGen C0017922, MONDO:0009291, OMIM 232400.

gnomAD v4.1: 15 of 1,613,930 alleles (0.00093%); highest among the groups gnomAD compares: Non-Finnish European, 0.0012%; no homozygotes.

Submissions (2):

Baylor Genetics
Classification: Pathogenic for Glycogen storage disease type III. Last evaluated: 2023-07-08. Review status: criteria provided, single submitter. Criteria: ACMG Guidelines, 2015. Collection method: clinical testing. Allele origin: unknown.

Kasturba Medical College, Manipal, Kasturba Medical College, Manipal, Manipal Academy of Higher Education, Manipal, India
Classification: Pathogenic for Glycogen storage disease type III. Review status: criteria provided, single submitter. Criteria: ACMG Guidelines, 2015. Collection method: research. Allele origin: biparental. Inheritance: Autosomal recessive inheritance. Affected: yes.
Comment: This variant is present in fifteen individuals in heterozygous state and absent in homozygous state in gnomAD (v4.1.0) population database. This variant is absent in heterozygous and/or homozygous state in our in-house exome data of 3786 individuals. This variant is reported in ClinVar database as pathogenic by a single submitter (ClinVar Accession: VCV002681003.1). This canonical splice-site variant likely results in aberrant splicing which may either lead to nonsense mediated mRNA decay of the transcript or the formation of a truncated protein product.

NM_000642.3(AGL):c.1423+1G>A

Gene: AGL (amylo-alpha-1,6-glucosidase and 4-alpha-glucanotransferase; plus strand). Cytogenetic location: 1p21.2.
Variant type: single nucleotide variant.
Coding change: c.1423+1G>A on transcript NM_000642.3 (MANE Select); the canonical splice donor site of the intron after coding-DNA position 1423, G replaced by A.
Molecular consequence: splice donor variant.
Genome position (GRCh38, 1-based): chr1:99,876,598, G>A. VCF-style: chr1-99876598-G-A. GRCh37 (hg19) VCF-style: chr1-100342154-G-A.
Other names: c.1423+1G>A (NM_000643.3, NM_000644.3, NM_001425326.1 and 2 more transcripts); c.1375+1G>A (NM_000646.3); c.1222+1G>A (NM_001425327.1); c.1219+1G>A (NM_001425328.1, NM_001425329.1); c.1045+1G>A (NM_001425332.1).
Identifiers: ClinVar variation 2681003 (VCV002681003.2), dbSNP rs751952198, ClinGen allele CA341346839.
Genomic context (GRCh38, chr1:99,876,598, plus strand): 5'-TGATGGCACACAATGGATGGGTAATGGGAGATGATCCTCTTCGAAACTTTGCTGAACCGG[G>A]TATGTAATTTTTAACTTCTCTGTGGATGGGGAAAGAATAGTTCATGGCAAGGTCAAAATA-3'